The following is an entry in ClinVar:

NM_015665.6(AAAS):c.1295G>A (p.Arg432His)

Gene: AAAS (aladin WD repeat nucleoporin; minus strand). Cytogenetic location: 12q13.13.
Variant type: single nucleotide variant.
Coding change: c.1295G>A on transcript NM_015665.6 (MANE Select); coding-DNA position 1295, G replaced by A.
Protein change: p.Arg432His; replaces arginine 432 with histidine.
Molecular consequence: missense variant.
Genome position (GRCh38, 1-based): chr12:53,308,088, C>T on the plus strand (G>A on the coding strand, the complement: AAAS is on the minus strand). VCF-style: chr12-53308088-C-T. GRCh37 (hg19) VCF-style: chr12-53701872-C-T.
Other names: c.1196G>A, p.Arg399His (NM_001173466.2); short protein forms R399H, R432H.
Identifiers: ClinVar variation 1370665 (VCV001370665.5), dbSNP rs61739860, ClinGen allele CA6598897.
Genomic context (GRCh38, chr12:53,308,088, plus strand): 5'-CCTAAGGGCCCACATGGCACTTACCAGGGAAGGAGCTCAAACACAGGGCTGTTTCGAGTG[C>T]GAAAAAGGAGGATGACTGGTTTACCATCCTGTACCCTTGGCTTTCCTGTAAGAAATGGAT-3'
Protein context (NP_056480.1, residues 422-442): QDGKPVILLF[Arg432His]TRNSPVFELL

ClinVar aggregate classification (germline): Uncertain significance (1 of 4 stars; one submission).

Allele frequency attached by ClinVar (database versions not stated): gnomAD 0.00003 and 0.00004; TOPMed 0.00003; ExAC 0.00004; gnomAD exomes 0.00005 and 0.00007.
gnomAD v4.1: 102 of 1,613,908 alleles (0.0063%); highest among the groups gnomAD compares: Admixed American, 0.0083%; no homozygotes.

Submission:

Labcorp Genetics (formerly Invitae), Labcorp
Classification: Uncertain significance. Last evaluated: 2021-12-02. Review status: criteria provided, single submitter. Criteria: Invitae Variant Classification Sherloc (09022015). Collection method: clinical testing. Allele origin: germline.
Comment: This sequence change replaces arginine, which is basic and polar, with histidine, which is basic and polar, at codon 432 of the AAAS protein (p.Arg432His). This variant is present in population databases (rs61739860, gnomAD 0.009%). This variant has not been reported in the literature in individuals affected with AAAS-related conditions. Algorithms developed to predict the effect of missense changes on protein structure and function are either unavailable or do not agree on the potential impact of this missense change (SIFT: "Tolerated"; PolyPhen-2: "Possibly Damaging"; Align-GVGD: "Class C0"). In summary, the available evidence is currently insufficient to determine the role of this variant in disease. Therefore, it has been classified as a Variant of Uncertain Significance.